The following is an entry in ClinVar:

ClinVar aggregate classification (germline): Benign/Likely benign. Review status: criteria provided, multiple submitters, no conflicts (2 of 4 stars). 3 submissions from 3 submitters: Benign (1); Likely benign (2). Last evaluated 2025-05-16.

Conditions:
Hereditary cancer-predisposing syndrome. Also called: Hereditary Cancer Syndrome; Tumor predisposition; Neoplastic Syndromes, Hereditary; Hereditary neoplastic syndrome. Identifiers: Orphanet 140162, MedGen C0027672, MeSH D009386, MONDO:0015356.
Tuberous sclerosis 2 (TSC2). Identifiers: Orphanet 805, MedGen C1860707, MONDO:0013199, OMIM 613254.

Allele frequency attached by ClinVar (database versions not stated): TOPMed below 0.00001.

Submissions (3):

Myriad Genetics, Inc.
Classification: Benign for Tuberous sclerosis 2. Last evaluated: 2025-05-16. Review status: criteria provided, single submitter. Criteria: Myriad Autosomal Dominant, Autosomal Recessive and X-Linked Classification Criteria (2023). Collection method: clinical testing. Allele origin: unknown.
Comment: This variant is considered benign. This variant is a silent/synonymous amino acid change and it is not expected to impact splicing.

Labcorp Genetics (formerly Invitae), Labcorp
Classification: Likely benign for Tuberous sclerosis 2. Last evaluated: 2024-07-24. Review status: criteria provided, single submitter. Criteria: Invitae Variant Classification Sherloc (09022015). Collection method: clinical testing. Allele origin: germline.

Ambry Genetics
Classification: Likely benign for Hereditary cancer-predisposing syndrome. Last evaluated: 2023-10-22. Review status: criteria provided, single submitter. Criteria: Ambry Variant Classification Scheme 2023. Collection method: clinical testing. Allele origin: germline.

NM_000548.5(TSC2):c.2028C>G (p.Gly676=)

Gene: TSC2 (TSC complex subunit 2; plus strand). Cytogenetic location: 16p13.3.
Variant type: single nucleotide variant.
Coding change: c.2028C>G on transcript NM_000548.5 (MANE Select); coding-DNA position 2028, C replaced by G.
Protein change: p.Gly676=; no amino-acid change (glycine 676 retained).
Molecular consequence: synonymous variant. On other transcripts: non-coding transcript variant (5).
Genome position (GRCh38, 1-based): chr16:2,071,865, C>G. VCF-style: chr16-2071865-C-G. GRCh37 (hg19) VCF-style: chr16-2121866-C-G.
Other names: c.684C>G, p.Gly228= (NM_001406694.1, NM_001406695.1, NM_001406696.1 and 6 more transcripts); c.426C>G, p.Gly142= (NM_001406698.1); c.2028C>G, p.Gly676= (NM_021055.3, NM_001077183.3, NM_001114382.3 and 6 more transcripts); c.1917C>G, p.Gly639= (NM_001318827.2, NM_001406670.1, NM_001406678.1); c.1881C>G, p.Gly627= (NM_001318829.2, NM_001406675.1, NM_001406676.1 and 1 more transcripts); c.1428C>G, p.Gly476= (NM_001318831.2, NM_001406680.1, NM_001406682.1 and 6 more transcripts); c.2061C>G, p.Gly687= (NM_001318832.2); c.2118C>G, p.Gly706= (NM_001406667.1, NM_001406668.1); and 3 more.
Identifiers: ClinVar variation 3232100 (VCV003232100.4), dbSNP rs1057520807, ClinGen allele CA493042594.